The following is an entry in ClinVar:

NM_002230.4(JUP):c.1853C>G (p.Ala618Gly)

Gene: JUP (junction plakoglobin; minus strand). Cytogenetic location: 17q21.2.
Variant type: single nucleotide variant.
Coding change: c.1853C>G on transcript NM_002230.4 (MANE Select); coding-DNA position 1853, C replaced by G.
Protein change: p.Ala618Gly; replaces alanine 618 with glycine.
Molecular consequence: missense variant.
Genome position (GRCh38, 1-based): chr17:41,757,705, G>C on the plus strand (C>G on the coding strand, the complement: JUP is on the minus strand). VCF-style: chr17-41757705-G-C. GRCh37 (hg19) VCF-style: chr17-39913957-G-C.
Other names: c.1853C>G, p.Ala618Gly (NM_001352773.2, NM_001352774.2, NM_001352775.2 and 3 more transcripts); short protein forms A618G.
Identifiers: ClinVar variation 5022915 (VCV005022915.1).

ClinVar aggregate classification (germline): Uncertain significance (1 of 4 stars; one submission).

Conditions:
Cardiovascular phenotype. Identifiers: MedGen CN230736.

Submission:

Ambry Genetics
Classification: Uncertain significance for Cardiovascular phenotype. Last evaluated: 2026-06-21. Review status: criteria provided, single submitter. Criteria: Ambry Variant Classification Scheme 2023. Collection method: clinical testing. Allele origin: germline.
Comment: The p.A618G variant (also known as c.1853C>G), located in coding exon 10 of the JUP gene, results from a C to G substitution at nucleotide position 1853. The alanine at codon 618 is replaced by glycine, an amino acid with similar properties. This amino acid position is conserved. In addition, the in silico prediction for this alteration is inconclusive. Based on the available evidence, the clinical significance of this variant remains unclear.